The following is an entry in ClinVar:

ClinVar aggregate classification (germline): Uncertain significance. Review status: criteria provided, multiple submitters, no conflicts (2 of 4 stars). 2 submissions from 2 submitters: Uncertain significance (2). Last evaluated 2022-10-26.

Allele frequency attached by ClinVar (database versions not stated): TOPMed 0.00004; gnomAD 0.00005; gnomAD exomes 0.00004; ExAC 0.00003.
gnomAD v4.1: 66 of 1,613,474 alleles (0.0041%); highest among the groups gnomAD compares: East Asian, 0.071%; no homozygotes.

Submissions (2):

Ambry Genetics
Classification: Uncertain significance. Last evaluated: 2022-10-26. Review status: criteria provided, single submitter. Criteria: Ambry Variant Classification Scheme 2023. Collection method: clinical testing. Allele origin: germline.

Labcorp Genetics (formerly Invitae), Labcorp
Classification: Uncertain significance. Last evaluated: 2022-01-21. Review status: criteria provided, single submitter. Criteria: Invitae Variant Classification Sherloc (09022015). Collection method: clinical testing. Allele origin: germline.
Comment: Algorithms developed to predict the effect of missense changes on protein structure and function are either unavailable or do not agree on the potential impact of this missense change (SIFT: "Tolerated"; PolyPhen-2: "Probably Damaging"; Align-GVGD: "Class C0"). This variant has not been reported in the literature in individuals affected with XPO5-related conditions. This variant is present in population databases (rs753547042, gnomAD 0.03%). This sequence change replaces arginine, which is basic and polar, with histidine, which is basic and polar, at codon 664 of the XPO5 protein (p.Arg664His). In summary, the available evidence is currently insufficient to determine the role of this variant in disease. Therefore, it has been classified as a Variant of Uncertain Significance.

NM_020750.3(XPO5):c.1991G>A (p.Arg664His)

Genes: POLR1C (RNA polymerase I and III subunit C; plus strand), XPO5 (exportin 5; minus strand). Cytogenetic location: 6p21.1.
Variant type: single nucleotide variant.
Coding change: c.1991G>A on transcript NM_020750.3 (MANE Select); coding-DNA position 1991, G replaced by A.
Protein change: p.Arg664His; replaces arginine 664 with histidine.
Molecular consequence: missense variant. On other transcripts: non-coding transcript variant (1), intron variant (1).
Genome position (GRCh38, 1-based): chr6:43,548,330, C>T on the plus strand (G>A on the coding strand, the complement: XPO5 is on the minus strand). VCF-style: chr6-43548330-C-T. GRCh37 (hg19) VCF-style: chr6-43516067-C-T.
Other names: c.923-2638C>T (NM_001363658.2); short protein forms R664H.
Identifiers: ClinVar variation 2194256 (VCV002194256.4), dbSNP rs753547042, ClinGen allele CA3826266.